The following is an entry in ClinVar:

ClinVar aggregate classification (germline): risk factor (1 of 4 stars; one submission).

Conditions:
Alzheimer disease 9. Also called: ALZHEIMER DISEASE 9, LATE-ONSET; ALZHEIMER DISEASE 9, SUSCEPTIBILITY TO. Identifiers: MedGen C4282179, MONDO:0012153, OMIM 608907.

Submission:

Kosik Lab, Neuroscience Research Institute, University of California Santa Barbara
Classification: risk factor for Alzheimer disease 9. Last evaluated: 2021-06-01. Review status: criteria provided, single submitter. Criteria: Bellenguez et al., 2017. Collection method: case-control. Allele origin: inherited. Affected: yes. Observed: 1 variant allele. Study: TANGL.
Comment: In silico algorithms classify this variant as definite pathogenic

NM_019112.4(ABCA7):c.3782del (p.Pro1261fs)

Gene: ABCA7 (ATP binding cassette subfamily A member 7; plus strand). Cytogenetic location: 19p13.3.
Variant type: Deletion.
Coding change: c.3782del on transcript NM_019112.4 (MANE Select); coding-DNA position 3782, one base deleted (C; older notation c.3782delC).
Protein change: p.Pro1261fs; shifts the reading frame from proline 1261.
Molecular consequence: frameshift variant.
Genome position (GRCh38, 1-based): chr19:1,054,625, C deleted; the last of 2 consecutive C bases (chr19:1,054,624-1,054,625); deleting either gives the same sequence. VCF-style (leftmost placement, unchanged base first): chr19-1054623-GC-G. GRCh37 (hg19) VCF-style: chr19-1054622-GC-G.
Other names: c.3781delC (NM_019112.4); short protein forms P1261fs.
Identifiers: ClinVar variation 1178348 (VCV001178348.2), dbSNP rs2144876596, ClinGen allele CA2573054694.